The following is an entry in ClinVar:

ClinVar aggregate classification (germline): Pathogenic. Review status: criteria provided, multiple submitters, no conflicts (2 of 4 stars). 9 submissions from 9 submitters: Pathogenic (8). 1 of the submissions does not count toward it. Last evaluated 2025-12-08.

Conditions:
Ethylmalonic encephalopathy (EE). Also called: EPEMA syndrome; Encephalopathy, petechiae, and ethylmalonic aciduria; Syndrome of encephalopathy, petechiae, and ethylmalonic aciduria. Identifiers: Orphanet 51188, MedGen C1865349, MONDO:0011229, OMIM 602473. Disease mechanism: loss of function.

Allele frequency attached by ClinVar (database versions not stated): gnomAD exomes below 0.00001; TOPMed 0.00002.

Submissions (9):

Natera, Inc.
Classification: Pathogenic for Ethylmalonic encephalopathy. Last evaluated: 2025-12-08. Review status: criteria provided, single submitter. Criteria: Natera Variant Classification Schema (03/2026). Collection method: clinical testing. Allele origin: germline.
Comment: The c.221dupA variant in ETHE1 is a frameshift variant predicted to shift the reading frame and introduce a stop codon. This variant is expected to result in nonsense mediated decay, truncation, or a dysfunctional protein product. This variant is rare in the general population with a frequency below the threshold expected for the associated phenotype(s). This variant has been observed in one or more individuals affected with the associated recessive disease, as either homozygous or compound heterozygous with a second variant (PMID: 14732903). Given the available evidence, this variant is classified as Pathogenic.

Variantyx, Inc.
Classification: Pathogenic for Ethylmalonic encephalopathy. Last evaluated: 2025-05-28. Review status: criteria provided, single submitter. Criteria: Variantyx Assertion Criteria 2022. Collection method: clinical testing. Allele origin: germline. Inheritance: Autosomal recessive inheritance. Affected: no.
Comment: This is a nonsense variant in the ETHE1 gene (OMIM: 608451). Pathogenic variants in this gene have been associated with autosomal recessive ethylmalonic encephalopathy. This variant introduces a premature termination codon in exon 2 out of 7 and is expected to result in loss of function, which is a known disease mechanism for ETHE1 in this disorder (PMID: 19136936, 26917598) (PVS1). This mutation has been identified in the compound heterozygous state at least in two individuals reported in the published literature (PMID: 18593870, 14732903) (PM3). It has a 0.0003% maximum allele frequency in non-founder control populations (PM2). Based on the current evidence, this variant is classified as pathogenic for autosomal recessive ethylmalonic encephalopathy.

First Genomix Gene Laboratory, Genetic Diagnostics Department
Classification: Pathogenic for Ethylmalonic encephalopathy. Last evaluated: 2025-03-20. Review status: criteria provided, single submitter. Criteria: ACMG Guidelines, 2015. Collection method: clinical testing. Allele origin: germline. Inheritance: Autosomal recessive inheritance. Affected: no. Observed: 1 variant allele.

Labcorp Genetics (formerly Invitae), Labcorp
Classification: Pathogenic for Ethylmalonic encephalopathy. Last evaluated: 2023-12-22. Review status: criteria provided, single submitter. Criteria: Invitae Variant Classification Sherloc (09022015). Collection method: clinical testing. Allele origin: germline.
Comment: This sequence change creates a premature translational stop signal (p.Tyr74*) in the ETHE1 gene. It is expected to result in an absent or disrupted protein product. Loss-of-function variants in ETHE1 are known to be pathogenic (PMID: 14732903, 19136963). This variant is present in population databases (no rsID available, gnomAD 0.0009%). This premature translational stop signal has been observed in individual(s) with ethylmalonic encephalopathy (PMID: 14732903, 18593870). ClinVar contains an entry for this variant (Variation ID: 214323). For these reasons, this variant has been classified as Pathogenic.

Baylor Genetics
Classification: Pathogenic for Ethylmalonic encephalopathy. Last evaluated: 2023-07-22. Review status: criteria provided, single submitter. Criteria: ACMG Guidelines, 2015. Collection method: clinical testing. Allele origin: unknown.

Revvity Omics, Revvity
Classification: Pathogenic for Ethylmalonic encephalopathy. Last evaluated: 2022-09-14. Review status: criteria provided, single submitter. Criteria: ACMG Guidelines, 2015. Collection method: clinical testing. Allele origin: germline.

Women's Health and Genetics/Laboratory Corporation of America, LabCorp
Classification: Pathogenic for Ethylmalonic encephalopathy. Last evaluated: 2020-12-17. Review status: criteria provided, single submitter. Criteria: LabCorp Variant Classification Summary - May 2015. Collection method: clinical testing. Allele origin: germline.
Comment: Variant summary: ETHE1 c.221dupA (p.Tyr74X) results in a premature termination codon, predicted to cause a truncation of the encoded protein or absence of the protein due to nonsense mediated decay, which are commonly known mechanisms for disease. The variant allele was found at a frequency of 4e-06 in 248838 control chromosomes (gnomAD). c.221dupA has been reported in the literature in compound heterozygous and homozygous state in individuals affected with Ethylmalonic Encephalopathy (Tiranti_2004, Mineri_2008). These data indicate that the variant is likely to be associated with disease. To our knowledge, no experimental evidence demonstrating an impact on protein function has been reported. No clinical diagnostic laboratories have submitted clinical-significance assessments for this variant to ClinVar after 2014. Based on the evidence outlined above, the variant was classified as pathogenic.

GeneDx
Classification: Pathogenic. Last evaluated: 2013-05-20. Review status: criteria provided, single submitter. Criteria: GeneDx Variant Classification (06012015). Collection method: clinical testing. Allele origin: germline. Affected: yes.
Comment: p.Tyr74Stop (Y74X) in exon 2 of the ETHE1 gene (NM_014297.3). The c.221dupA mutation in the ETHE1 gene has been reported previously in association with ethylmalonic encephalopathy in a patient who is homozygous for the c.221dupA mutation and in a patient who is a compound heterozygote for c.221dupA and a mutation on the opposite ETHE1 allele (Tiranti et al., 2004). The duplication causes the replacement of a Tyrosine codon at amino acid position 74 with a Stop codon, denoted p.Tyr74Stop. This mutation is predicted to cause loss of normal protein function either through protein truncation or nonsense-mediated mRNA decay. The variant is found in MITONUC-MITOP panel(s).

OMIM
Classification: Pathogenic for ENCEPHALOPATHY, ETHYLMALONIC. Last evaluated: 2004-02-01. Review status: no assertion criteria provided. Collection method: literature only. Allele origin: germline. Not counted in ClinVar's aggregate classification.

Literature cited by the submitters: PubMed 14732903 (cited by 5 submitters); PubMed 19136936 (cited by Variantyx, Inc.); PubMed 26917598 (cited by Variantyx, Inc.); PubMed 18593870 (cited by 3 submitters); PubMed 19136963 (cited by Labcorp Genetics (formerly Invitae), Labcorp); PubMed 16183799 (cited by Women's Health and Genetics/Laboratory Corporation of America, LabCorp); PubMed 32485156 (cited by Women's Health and Genetics/Laboratory Corporation of America, LabCorp).

NM_014297.5(ETHE1):c.221dup (p.Tyr74Ter)

Gene: ETHE1 (ETHE1 persulfide dioxygenase; minus strand). Cytogenetic location: 19q13.31.
Variant type: Duplication.
Coding change: c.221dup on transcript NM_014297.5 (MANE Select); coding-DNA position 221, one base duplicated (A; older notation c.221dupA).
Protein change: p.Tyr74Ter; replaces tyrosine 74 with a stop codon.
Molecular consequence: nonsense. On other transcripts: frameshift variant (1), initiator codon variant (1), intron variant (1).
Genome position (GRCh38, 1-based): chr19:43,526,520, T duplicated on the plus strand (A on the coding strand, the reverse complement: ETHE1 is on the minus strand). VCF-style (leftmost placement, unchanged base first): chr19-43526519-A-AT. GRCh37 (hg19) VCF-style: chr19-44030671-A-AT.
Other names: c.221dup, p.Tyr74Ter (NM_001320867.2); c.1dup, p.Met1fs (NM_001320868.2); c.81+577dup (NM_001320869.2); c.221dupA (NM_014297.5); short protein forms M1fs, Y74*.
Identifiers: ClinVar variation 214323 (VCV000214323.17), dbSNP rs863223955, ClinGen allele CA323506.